The following is an entry in ClinVar:

NM_001361.5(DHODH):c.1166T>C (p.Ile389Thr)

Genes: DHODH (dihydroorotate dehydrogenase (quinone); plus strand), LOC126862390 (MED14-independent group 3 enhancer GRCh37_chr16:72057307-72058506; plus strand). Cytogenetic location: 16q22.2.
Variant type: single nucleotide variant.
Coding change: c.1166T>C on transcript NM_001361.5 (MANE Select); coding-DNA position 1166, T replaced by C.
Protein change: p.Ile389Thr; replaces isoleucine 389 with threonine.
Molecular consequence: missense variant.
Genome position (GRCh38, 1-based): chr16:72,024,177, T>C. VCF-style: chr16-72024177-T-C. GRCh37 (hg19) VCF-style: chr16-72058076-T-C.
Other names: short protein forms I389T.
Identifiers: ClinVar variation 1359011 (VCV001359011.10), dbSNP rs768667589, ClinGen allele CA8158885.

ClinVar aggregate classification (germline): Uncertain significance. Review status: criteria provided, multiple submitters, no conflicts (2 of 4 stars). 2 submissions from 2 submitters: Uncertain significance (2). Last evaluated 2024-11-28.

Allele frequency attached by ClinVar (database versions not stated): ExAC 0.00001; gnomAD exomes below 0.00001; gnomAD 0.00001; TOPMed 0.00001.
gnomAD v4.1: 18 of 1,614,060 alleles (0.0011%); highest among the groups gnomAD compares: South Asian, 0.0022%; no homozygotes.

Submissions (2):

Dasa
Classification: Uncertain significance. Last evaluated: 2024-11-28. Review status: criteria provided, single submitter. Criteria: DASA Assertion Criteria. Collection method: clinical testing. Allele origin: germline.
Comment: NM_001361.5(DHODH):c.1166T>C (p.Ile389Thr) is a missense variant that results in the substitution of isoleucine with threonine. This variant has been observed in affected individuals with DHODH-related disorders. Also, this variant is rare in population databases. Computational prediction algorithms are consistent with a deleterious effect. The currently available literature and clinical evidence are not sufficient to establish a definitive association between this variant and the reported condition. Therefore, this variant is classified as a variant of uncertain significance.

Labcorp Genetics (formerly Invitae), Labcorp
Classification: Uncertain significance. Last evaluated: 2022-06-27. Review status: criteria provided, single submitter. Criteria: Invitae Variant Classification Sherloc (09022015). Collection method: clinical testing. Allele origin: germline.
Comment: This sequence change replaces isoleucine, which is neutral and non-polar, with threonine, which is neutral and polar, at codon 389 of the DHODH protein (p.Ile389Thr). In summary, the available evidence is currently insufficient to determine the role of this variant in disease. Therefore, it has been classified as a Variant of Uncertain Significance. Algorithms developed to predict the effect of missense changes on protein structure and function are either unavailable or do not agree on the potential impact of this missense change (SIFT: "Tolerated"; PolyPhen-2: "Possibly Damaging"; Align-GVGD: "Class C0"). This variant has not been reported in the literature in individuals affected with DHODH-related conditions. This variant is present in population databases (rs768667589, gnomAD 0.003%).